The following is an entry in ClinVar:

ClinVar aggregate classification (germline): Likely benign (1 of 4 stars; one submission).

Allele frequency attached by ClinVar (database versions not stated): gnomAD exomes below 0.00001.
gnomAD v4.1: 1 of 1,611,958 alleles (0.000062%); highest among the groups gnomAD compares: Non-Finnish European, 0.000085%; no homozygotes.

Submission:

CeGaT Center for Human Genetics Tuebingen
Classification: Likely benign. Last evaluated: 2022-04-01. Review status: criteria provided, single submitter. Criteria: CeGaT Center For Human Genetics Tuebingen Variant Classification Criteria Version 2. Collection method: clinical testing. Allele origin: germline. Affected: yes. Observed: 1 variant allele.
Comment: ABCC9: PM2:Supporting, BP4, BP7

NM_020297.4(ABCC9):c.1257T>C (p.Ile419=)

Gene: ABCC9 (ATP binding cassette subfamily C member 9; minus strand). Cytogenetic location: 12p12.1.
Variant type: single nucleotide variant.
Coding change: c.1257T>C on transcript NM_020297.4 (MANE Select); coding-DNA position 1257, T replaced by C.
Protein change: p.Ile419=; no amino-acid change (isoleucine 419 retained).
Molecular consequence: synonymous variant.
Genome position (GRCh38, 1-based): chr12:21,910,220, A>G on the plus strand (T>C on the coding strand, the complement: ABCC9 is on the minus strand). VCF-style: chr12-21910220-A-G. GRCh37 (hg19) VCF-style: chr12-22063154-A-G.
Other names: c.1257T>C, p.Ile419= (NM_001377273.1, NM_005691.4); c.393T>C, p.Ile131= (NM_001377274.1).
Identifiers: ClinVar variation 2642781 (VCV002642781.24), dbSNP rs1948252265, ClinGen allele CA478870154.